The following is an entry in ClinVar:

ClinVar aggregate classification (germline): Uncertain significance (1 of 4 stars; one submission).

Submission:

Women's Health and Genetics/Laboratory Corporation of America, LabCorp
Classification: Uncertain significance. Last evaluated: 2026-05-15. Review status: criteria provided, single submitter. Criteria: LabCorp Variant Classification Summary - May 2015. Collection method: clinical testing. Allele origin: germline.
Comment: Variant summary: OTC c.890A>C (p.Asp297Ala) results in a non-conservative amino acid change in the encoded protein sequence. Algorithms developed to predict the effect of missense changes on protein structure and function all suggest that this variant is likely to be disruptive. The variant was absent in 183263 control chromosomes. The available data on variant occurrences in the general population are insufficient to allow any conclusion about variant significance. To our knowledge, no occurrence of c.890A>C in individuals affected with OTC-related conditions has been reported. At least one publication reports experimental evidence evaluating an impact on protein function. Specifically, the variant was predicted to be deleterious via demonstration of an amorphic growth rate in a yeast complementation functional assay. The following publication has been ascertained in the context of this evaluation (PMID: 37146589). No submitters have cited clinical-significance assessments for this variant to ClinVar. Based on the evidence outlined above, the variant was classified as uncertain significance.

Literature cited by the submitters: PubMed 37146589.

NM_000531.6(OTC):c.890A>C (p.Asp297Ala)

Gene: OTC (ornithine transcarbamylase; plus strand). Cytogenetic location: Xp11.4.
Variant type: single nucleotide variant.
Coding change: c.890A>C on transcript NM_000531.6 (MANE Select); coding-DNA position 890, A replaced by C.
Protein change: p.Asp297Ala; replaces aspartic acid 297 with alanine.
Molecular consequence: missense variant.
Genome position (GRCh38, 1-based): chrX:38,411,884, A>C. VCF-style: chrX-38411884-A-C. GRCh37 (hg19) VCF-style: chrX-38271137-A-C.
Other names: c.890A>C, p.Asp297Ala (NM_001407092.1); short protein forms D297A.
Identifiers: ClinVar variation 4853056 (VCV004853056.1).